The following is an entry in ClinVar:

NM_000388.4(CASR):c.2448C>G (p.Ile816Met)

Gene: CASR (calcium sensing receptor; plus strand). Cytogenetic location: 3q21.1.
Variant type: single nucleotide variant.
Coding change: c.2448C>G on transcript NM_000388.4 (MANE Select); coding-DNA position 2448, C replaced by G.
Protein change: p.Ile816Met; replaces isoleucine 816 with methionine.
Molecular consequence: missense variant.
Genome position (GRCh38, 1-based): chr3:122,284,402, C>G. VCF-style: chr3-122284402-C-G. GRCh37 (hg19) VCF-style: chr3-122003249-C-G.
Other names: c.2478C>G, p.Ile826Met (NM_001178065.2); short protein forms I816M, I826M.
Identifiers: ClinVar variation 1321391 (VCV001321391.7), dbSNP rs781343891, ClinGen allele CA354159827.

ClinVar aggregate classification (germline): Uncertain significance. Review status: criteria provided, multiple submitters, no conflicts (2 of 4 stars). 2 submissions from 2 submitters: Uncertain significance (2). Last evaluated 2021-12-15.

Conditions:
Familial hypocalciuric hypercalcemia (FHH). Also called: Familial benign hypercalcemia. Identifiers: Orphanet 405, MedGen C1809471, MONDO:0018458.
Autosomal dominant hypocalcemia 1 (HYPOC1). Also called: HYPOCALCEMIA, FAMILIAL. Identifiers: MedGen C3715128, MONDO:0011013, OMIM 601198.

Submissions (2):

Labcorp Genetics (formerly Invitae), Labcorp
Classification: Uncertain significance for Familial hypocalciuric hypercalcemia; Autosomal dominant hypocalcemia 1. Last evaluated: 2021-12-15. Review status: criteria provided, single submitter. Criteria: Invitae Variant Classification Sherloc (09022015). Collection method: clinical testing. Allele origin: germline.
Comment: This sequence change replaces isoleucine, which is neutral and non-polar, with methionine, which is neutral and non-polar, at codon 816 of the CASR protein (p.Ile816Met). This variant is not present in population databases (gnomAD no frequency). This variant has not been reported in the literature in individuals affected with CASR-related conditions. ClinVar contains an entry for this variant (Variation ID: 1321391). Algorithms developed to predict the effect of missense changes on protein structure and function are either unavailable or do not agree on the potential impact of this missense change (SIFT: "Deleterious"; PolyPhen-2: "Probably Damaging"; Align-GVGD: "Class C0"). In summary, the available evidence is currently insufficient to determine the role of this variant in disease. Therefore, it has been classified as a Variant of Uncertain Significance.

Women's Health and Genetics/Laboratory Corporation of America, LabCorp
Classification: Uncertain significance. Last evaluated: 2021-10-19. Review status: criteria provided, single submitter. Criteria: LabCorp Variant Classification Summary - May 2015. Collection method: clinical testing. Allele origin: germline.
Comment: Variant summary: CASR c.2448C>G (p.Ile816Met) results in a conservative amino acid change located in the GPCR family 3, C-terminal domain (IPR017978) of the encoded protein sequence. Four of five in-silico tools predict a damaging effect of the variant on protein function. The variant was absent in 251330 control chromosomes (gnomAD). The available data on variant occurrences in the general population are insufficient to allow any conclusion about variant significance. To our knowledge, no occurrence of c.2448C>G in individuals affected with Familial Hypocalciuric Hypercalcemia and no experimental evidence demonstrating its impact on protein function have been reported. No clinical diagnostic laboratories have submitted clinical-significance assessments for this variant to ClinVar after 2014. Based on the evidence outlined above, the variant was classified as uncertain significance.